The following is an entry in ClinVar:

ClinVar aggregate classification (germline): Pathogenic. Review status: criteria provided, multiple submitters, no conflicts (2 of 4 stars). 2 submissions from 2 submitters: Pathogenic (2). Last evaluated 2025-02-24.

Conditions:
Hereditary cancer-predisposing syndrome. Also called: Neoplastic Syndromes, Hereditary; Tumor predisposition; Hereditary Cancer Syndrome; Hereditary neoplastic syndrome. Identifiers: Orphanet 140162, MedGen C0027672, MeSH D009386, MONDO:0015356.
Familial cancer of breast. Also called: BREAST CANCER, FAMILIAL; Hereditary breast cancer; hereditary breast carcinoma. Identifiers: Orphanet 227535, MedGen C0346153, MONDO:0016419, OMIM 114480. Disease mechanism: loss of function.

Submissions (2):

Labcorp Genetics (formerly Invitae), Labcorp
Classification: Pathogenic for Familial cancer of breast. Last evaluated: 2025-02-24. Review status: criteria provided, single submitter. Criteria: Invitae Variant Classification Sherloc (09022015). Collection method: clinical testing. Allele origin: germline.
Comment: This sequence change creates a premature translational stop signal (p.Ile538Thrfs*21) in the PALB2 gene. It is expected to result in an absent or disrupted protein product. Loss-of-function variants in PALB2 are known to be pathogenic (PMID: 17200668, 17200671, 17200672, 24136930, 25099575). This variant is not present in population databases (gnomAD no frequency). This variant has not been reported in the literature in individuals affected with PALB2-related conditions. ClinVar contains an entry for this variant (Variation ID: 927082). For these reasons, this variant has been classified as Pathogenic.

Color Diagnostics, LLC DBA Color Health
Classification: Pathogenic for Hereditary cancer-predisposing syndrome. Last evaluated: 2020-02-18. Review status: criteria provided, single submitter. Criteria: ACMG Guidelines, 2015. Collection method: clinical testing. Allele origin: germline.
Comment: This variant deletes 7 nucleotides in exon 4 of the PALB2 gene, creating a frameshift and premature translation stop signal. This variant is expected to result in an absent or non-functional protein product. To our knowledge, this variant has not been reported in individuals affected with hereditary cancer in the literature. This variant has not been identified in the general population by the Genome Aggregation Database (gnomAD). Loss of PALB2 function is a known mechanism of disease. Based on the available evidence, this variant is classified as Pathogenic.

Literature cited by the submitters: PubMed 17200668 (cited by Labcorp Genetics (formerly Invitae), Labcorp); PubMed 17200671 (cited by Labcorp Genetics (formerly Invitae), Labcorp); PubMed 17200672 (cited by Labcorp Genetics (formerly Invitae), Labcorp); PubMed 24136930 (cited by Labcorp Genetics (formerly Invitae), Labcorp); PubMed 25099575 (cited by Labcorp Genetics (formerly Invitae), Labcorp).

NM_024675.4(PALB2):c.1613_1619del (p.Ile538fs)

Gene: PALB2 (partner and localizer of BRCA2; minus strand). Cytogenetic location: 16p12.2.
Variant type: Deletion.
Coding change: c.1613_1619del on transcript NM_024675.4 (MANE Select); coding-DNA positions 1613 to 1619, 7 bases deleted (TTGTTAA; older notation c.1613_1619delTTGTTAA).
Protein change: p.Ile538fs; shifts the reading frame from isoleucine 538.
Molecular consequence: frameshift variant.
Genome position (GRCh38, 1-based): chr16:23,634,927-23,634,933, TTAACAA deleted on the plus strand (TTGTTAA on the coding strand, the reverse complement: PALB2 is on the minus strand); deleting any 7 consecutive bases within chr16:23,634,927-23,634,934 gives the same sequence; the c. name uses the placement nearest the transcript's 3' end. VCF-style (leftmost placement, unchanged base first): chr16-23634926-GTTAACAA-G. GRCh37 (hg19) VCF-style: chr16-23646247-GTTAACAA-G.
Other names: short protein forms I538fs.
Identifiers: ClinVar variation 927082 (VCV000927082.12), dbSNP rs1966952995, ClinGen allele CA1139664613.